The following is an entry in ClinVar:

NM_172250.3(MMAA):c.658G>A (p.Val220Met)

Gene: MMAA (metabolism of cobalamin associated A; plus strand). Cytogenetic location: 4q31.21.
Variant type: single nucleotide variant.
Coding change: c.658G>A on transcript NM_172250.3 (MANE Select); coding-DNA position 658, G replaced by A.
Protein change: p.Val220Met; replaces valine 220 with methionine.
Molecular consequence: missense variant.
Genome position (GRCh38, 1-based): chr4:145,646,081, G>A. VCF-style: chr4-145646081-G-A. GRCh37 (hg19) VCF-style: chr4-146567233-G-A.
Other names: short protein forms V220M.
Identifiers: ClinVar variation 440805 (VCV000440805.18), dbSNP rs150376474, ClinGen allele CA3095228.

ClinVar aggregate classification (germline): Pathogenic/Likely pathogenic. Review status: criteria provided, multiple submitters, no conflicts (2 of 4 stars). 8 submissions from 8 submitters: Pathogenic (3); Likely pathogenic (5). Last evaluated 2026-01-31.

Conditions:
MMAA-related disorder. Also called: MMAA-related condition.
Methylmalonic acidemia (MMA). Also called: Isolated Methylmalonic Acidemia. Identifiers: MedGen C0268583, MeSH C537358, MONDO:0002012, HP:0002912.
Methylmalonic aciduria, cblA type (MACA). Also called: Methylmalonic aciduria, vitamin b12-responsive, due to defect in synthesis of adenosylcobalamin, cbla complementation type; MMA cbl A type; Methylmalonic acidemia cblA type; Methylmalonic aciduria, vitamin B12-responsive; Vitamin B12-responsive methylmalonic acidemia type cblA. Identifiers: Orphanet 28, Orphanet 79310, MedGen C1855109, MONDO:0009613, OMIM 251100.

Allele frequency attached by ClinVar (database versions not stated): ExAC 0.00001; gnomAD exomes 0.00002; gnomAD 0.00003; TOPMed 0.00004; ESP Exome Variant Server 0.00008.

Submissions (8):

Labcorp Genetics (formerly Invitae), Labcorp
Classification: Pathogenic for Methylmalonic aciduria, cblA type. Last evaluated: 2026-01-31. Review status: criteria provided, single submitter. Criteria: Invitae Variant Classification Sherloc (09022015). Collection method: clinical testing. Allele origin: germline.
Comment: This sequence change replaces valine, which is neutral and non-polar, with methionine, which is neutral and non-polar, at codon 220 of the MMAA protein (p.Val220Met). This variant is present in population databases (rs150376474, gnomAD 0.006%). This missense change has been observed in individuals with clinical features of methylmalonic aciduria cobalamin A type (PMID: 28497574, 33453710; internal data). ClinVar contains an entry for this variant (Variation ID: 440805). Invitae Evidence Modeling of protein sequence and biophysical properties (such as structural, functional, and spatial information, amino acid conservation, physicochemical variation, residue mobility, and thermodynamic stability) indicates that this missense variant is expected to disrupt MMAA protein function with a positive predictive value of 80%. Experimental studies have shown that this missense change affects MMAA function (PMID: 28497574). For these reasons, this variant has been classified as Pathogenic.

Women's Health and Genetics/Laboratory Corporation of America, LabCorp
Classification: Pathogenic for Methylmalonic acidemia. Last evaluated: 2026-01-29. Review status: criteria provided, single submitter. Criteria: LabCorp Variant Classification Summary - May 2015. Collection method: clinical testing. Allele origin: germline.
Comment: Variant summary: MMAA c.658G>A (p.Val220Met) results in a conservative amino acid change in the encoded protein sequence. Algorithms developed to predict the effect of missense changes on protein structure and function are either unavailable or do not agree on the potential impact of this missense change. The variant allele was found at a frequency of 2.4e-05 in 251412 control chromosomes. c.658G>A has been observed in homozygous and compound heterozygous individuals affected with Methylmalonic Acidemia (Plessl_2017, Stranneheim_2021, Seker Yilmaz_2021). These data indicate that the variant is very likely to be associated with disease. At least one publication reports experimental evidence evaluating an impact on protein function (Plessl_2017). The most pronounced variant effect results in <10% of normal activity in in vitro enzymatic activity studies. The following publications have been ascertained in the context of this evaluation (PMID: 28497574, 33726816, 33453710). ClinVar contains an entry for this variant (Variation ID: 440805). Based on the evidence outlined above, the variant was classified as pathogenic.

Natera, Inc.
Classification: Likely pathogenic for Methylmalonic aciduria cblA type. Last evaluated: 2025-12-31. Review status: criteria provided, single submitter. Criteria: Natera Variant Classification Schema (03/2026). Collection method: clinical testing. Allele origin: germline.
Comment: The c.658G>A variant in MMAA is a missense variant predicted to cause substitution of valine to methionine at amino acid 220. This variant is rare in the general population with a frequency below the threshold expected for the associated phenotype(s). This variant has been observed in one or more individuals affected with the associated recessive disease, as either homozygous or compound heterozygous with a second variant (PMID: 33453710, 28497574). This variant has been identified in one or more affected individual with a phenotype highly consistent with the associated gene (PMID: 33453710). Computational prediction algorithms indicate this variant is likely to affect gene or protein function. Given the available evidence, this variant is classified as Likely Pathogenic.

Myriad Genetics, Inc.
Classification: Likely pathogenic for Methylmalonic aciduria, cblA type. Last evaluated: 2025-07-03. Review status: criteria provided, single submitter. Criteria: Myriad Autosomal Dominant, Autosomal Recessive and X-Linked Classification Criteria (2023). Collection method: clinical testing. Allele origin: unknown.
Comment: NM_172250.2(MMAA):c.658G>A(V220M) is a missense variant classified as likely pathogenic in the context of methylmalonic acidemia, cblA type. V220M has been observed in cases with relevant disease (PMID: 28497574, 33453710). Relevant functional assessments of this variant are available in the literature (PMID: 28497574). V220M has been observed in referenced population frequency databases. In summary, NM_172250.2(MMAA):c.658G>A(V220M) is a missense variant that has been observed more frequently in cases with the relevant disease than in healthy populations. Please note: this variant was assessed in the context of healthy population screening.

Fulgent Genetics
Classification: Likely pathogenic for Methylmalonic aciduria, cblA type. Last evaluated: 2024-03-16. Review status: criteria provided, single submitter. Criteria: ACMG Guidelines, 2015. Collection method: clinical testing. Allele origin: germline.

Blueprint Genetics
Classification: Likely pathogenic for MMAA-related disorders. Last evaluated: 2023-07-12. Review status: criteria provided, single submitter. Criteria: ACMG Guidelines, 2015. Collection method: clinical testing. Allele origin: germline. Affected: yes. Observed: 4 variant alleles.

Juno Genomics, Hangzhou Juno Genomics, Inc
Classification: Likely pathogenic for Methylmalonic aciduria, cblA type. Review status: criteria provided, single submitter. Criteria: ACMG Guidelines, 2015. Collection method: clinical testing. Allele origin: germline.
Comment: Absent from controls (or at extremely low frequency if recessive) in Genome Aggregation Database.;Multiple lines of computational evidence support a deleterious effect on the gene or gene product.;For recessive disorders, detected in trans with a pathogenic variant.;Patient's phenotype or family history is highly specific for a disease with a single genetic etiology.

University Children's Hospital, University of Zurich
Classification: Pathogenic for Methylmalonic aciduria, cblA type. Review status: criteria provided, single submitter. Criteria: ZB-IEM Variant Assertion Criteria. Collection method: clinical testing. Allele origin: germline. Affected: yes. Observed: 2 variant alleles.

Literature cited by the submitters: PubMed 28497574 (cited by 4 submitters); PubMed 33453710 (cited by 4 submitters); PubMed 33726816 (cited by Women's Health and Genetics/Laboratory Corporation of America, LabCorp).